The following is an entry in ClinVar:

NM_004820.5(CYP7B1):c.850+3A>G

Gene: CYP7B1 (cytochrome P450 family 7 subfamily B member 1; minus strand). Cytogenetic location: 8q12.3.
Variant type: single nucleotide variant.
Coding change: c.850+3A>G on transcript NM_004820.5 (MANE Select); 3 bases into the intron after coding-DNA position 850, A replaced by G.
Molecular consequence: intron variant.
Genome position (GRCh38, 1-based): chr8:64,615,688, T>C on the plus strand (A>G on the coding strand, the complement: CYP7B1 is on the minus strand). VCF-style: chr8-64615688-T-C. GRCh37 (hg19) VCF-style: chr8-65528245-T-C.
Other names: c.850+3A>G (NM_001324112.2).
Identifiers: ClinVar variation 1386947 (VCV001386947.3), dbSNP rs2129630188, ClinGen allele CA2573143285.

ClinVar aggregate classification (germline): Uncertain significance (1 of 4 stars; one submission).

Conditions:
Spastic paraplegia. Identifiers: MedGen C0037772, HP:0001258.

Submission:

Labcorp Genetics (formerly Invitae), Labcorp
Classification: Uncertain significance for Spastic paraplegia. Last evaluated: 2021-05-31. Review status: criteria provided, single submitter. Criteria: Invitae Variant Classification Sherloc (09022015). Collection method: clinical testing. Allele origin: germline.
Comment: This sequence change falls in intron 3 of the CYP7B1 gene. It does not directly change the encoded amino acid sequence of the CYP7B1 protein. It affects a nucleotide within the consensus splice site of the intron. This variant is not present in population databases (ExAC no frequency). This variant has not been reported in the literature in individuals with CYP7B1-related conditions. Nucleotide substitutions within the consensus splice site are a relatively common cause of aberrant splicing (PMID: 17576681, 9536098). Algorithms developed to predict the effect of sequence changes on RNA splicing suggest that this variant may disrupt the consensus splice site, but this prediction has not been confirmed by published transcriptional studies. In summary, the available evidence is currently insufficient to determine the role of this variant in disease. Therefore, it has been classified as a Variant of Uncertain Significance.

Literature cited by the submitters: PubMed 17576681; PubMed 9536098.